The following is an entry in ClinVar:

NM_052876.4(NACC1):c.796A>C (p.Thr266Pro)

Gene: NACC1 (nucleus accumbens associated 1; plus strand). Cytogenetic location: 19p13.13.
Variant type: single nucleotide variant.
Coding change: c.796A>C on transcript NM_052876.4 (MANE Select); coding-DNA position 796, A replaced by C.
Protein change: p.Thr266Pro; replaces threonine 266 with proline.
Molecular consequence: missense variant.
Genome position (GRCh38, 1-based): chr19:13,136,003, A>C. VCF-style: chr19-13136003-A-C. GRCh37 (hg19) VCF-style: chr19-13246817-A-C.
Other names: short protein forms T266P.
Identifiers: ClinVar variation 1465445 (VCV001465445.8), dbSNP rs778884055, ClinGen allele CA9238324.
Genomic context (GRCh38, chr19:13,136,003, plus strand): 5'-GTGGCAGCAGCAGGGGGTGTGGTGAGTGGGCCCAGCACGTCGGAGCGGACCAGCCCAGGC[A>C]CCTCAAGCGCCTACACCAGCGACAGCCCTGGCTCCTACCACAATGAGGAGGACGAGGAGG-3'
Protein context (NP_443108.1, residues 256-276): PSTSERTSPG[Thr266Pro]SSAYTSDSPG

ClinVar aggregate classification (germline): Uncertain significance (1 of 4 stars; one submission).

Allele frequency attached by ClinVar (database versions not stated): ExAC 0.00001; gnomAD 0.00001 and 0.00002; gnomAD exomes 0.00002; TOPMed 0.00003.

Submission:

Labcorp Genetics (formerly Invitae), Labcorp
Classification: Uncertain significance. Last evaluated: 2024-06-21. Review status: criteria provided, single submitter. Criteria: Invitae Variant Classification Sherloc (09022015). Collection method: clinical testing. Allele origin: germline.
Comment: This sequence change replaces threonine, which is neutral and polar, with proline, which is neutral and non-polar, at codon 266 of the NACC1 protein (p.Thr266Pro). This variant is present in population databases (rs778884055, gnomAD 0.007%). This variant has not been reported in the literature in individuals affected with NACC1-related conditions. ClinVar contains an entry for this variant (Variation ID: 1465445). Advanced modeling of protein sequence and biophysical properties (such as structural, functional, and spatial information, amino acid conservation, physicochemical variation, residue mobility, and thermodynamic stability) performed at Invitae indicates that this missense variant is not expected to disrupt NACC1 protein function with a negative predictive value of 80%. In summary, the available evidence is currently insufficient to determine the role of this variant in disease. Therefore, it has been classified as a Variant of Uncertain Significance.